The following is an entry in ClinVar:

ClinVar aggregate classification (germline): Likely benign. Review status: criteria provided, multiple submitters, no conflicts (2 of 4 stars). 3 submissions from 3 submitters: Likely benign (3). Last evaluated 2025-01-03.

Allele frequency attached by ClinVar (database versions not stated): ExAC 0.00001; gnomAD exomes 0.00001.
gnomAD v4.1: 11 of 1,613,966 alleles (0.00068%); highest among the groups gnomAD compares: Middle Eastern, 0.016%; no homozygotes.

Submissions (3):

Labcorp Genetics (formerly Invitae), Labcorp
Classification: Likely benign. Last evaluated: 2025-01-03. Review status: criteria provided, single submitter. Criteria: Invitae Variant Classification Sherloc (09022015). Collection method: clinical testing. Allele origin: germline.

CeGaT Center for Human Genetics Tuebingen
Classification: Likely benign. Last evaluated: 2023-01-01. Review status: criteria provided, single submitter. Criteria: CeGaT Center For Human Genetics Tuebingen Variant Classification Criteria Version 2. Collection method: clinical testing. Allele origin: germline. Affected: yes. Observed: 1 variant allele.
Comment: CDH23: BP4, BP7

Laboratory for Molecular Medicine, Mass General Brigham Personalized Medicine
Classification: Likely benign. Last evaluated: 2019-05-10. Review status: criteria provided, single submitter. Criteria: LMM Criteria. Collection method: clinical testing. Allele origin: germline. Observed: 1 variant allele.
Comment: The p.Arg184Arg variant in CDH23 is classified as likely benign because it does not alter an amino acid residue, it is not located within the splice consensus sequence, and splice prediction algorithms do not predict a newly created splice site. ACMG/AMP Criteria applied: BP4, BP7.

NM_022124.6(CDH23):c.552C>T (p.Arg184=)

Gene: CDH23 (cadherin related 23; plus strand). Cytogenetic location: 10q22.1.
Variant type: single nucleotide variant.
Coding change: c.552C>T on transcript NM_022124.6 (MANE Select); coding-DNA position 552, C replaced by T.
Protein change: p.Arg184=; no amino-acid change (arginine 184 retained).
Molecular consequence: synonymous variant.
Genome position (GRCh38, 1-based): chr10:71,566,864, C>T. VCF-style: chr10-71566864-C-T. GRCh37 (hg19) VCF-style: chr10-73326621-C-T.
Other names: c.552C>T, p.Arg184= (NM_001171930.2, NM_001171931.2, NM_001171932.2 and 1 more transcripts).
Identifiers: ClinVar variation 930040 (VCV000930040.40), dbSNP rs768251221, ClinGen allele CA5543470.